The following is an entry in ClinVar:

ClinVar aggregate classification (germline): Uncertain significance (1 of 4 stars; one submission).

Conditions:
Dyskeratosis congenita, autosomal dominant 6 (DKCA6). Identifiers: Orphanet 3322, MedGen C4225284, MONDO:0014690, OMIM 616553.

Allele frequency attached by ClinVar (database versions not stated): gnomAD exomes below 0.00001.

Submission:

Labcorp Genetics (formerly Invitae), Labcorp
Classification: Uncertain significance for Dyskeratosis congenita, autosomal dominant 6. Last evaluated: 2026-01-12. Review status: criteria provided, single submitter. Criteria: Invitae Variant Classification Sherloc (09022015). Collection method: clinical testing. Allele origin: germline.
Comment: This sequence change replaces leucine, which is neutral and non-polar, with phenylalanine, which is neutral and non-polar, at codon 62 of the ACD protein (p.Leu62Phe). This variant is not present in population databases (gnomAD no frequency). This variant has not been reported in the literature in individuals affected with ACD-related conditions. ClinVar contains an entry for this variant (Variation ID: 2981310). An algorithm developed to predict the effect of missense changes on protein structure and function outputs the following: PolyPhen-2: "Possibly Damaging". The phenylalanine amino acid residue is found in multiple mammalian species, which suggests that this missense change does not adversely affect protein function. In summary, the available evidence is currently insufficient to determine the role of this variant in disease. Therefore, it has been classified as a Variant of Uncertain Significance.

NC_000016.10:g.67660295G>A

Gene: ACD (ACD shelterin complex subunit and telomerase recruitment factor; minus strand). Cytogenetic location: 16q22.1.
Variant type: single nucleotide variant.
Genome position: GRCh38 VCF-style: chr16-67660295-G-A. GRCh37 (hg19) VCF-style: chr16-67694198-G-A.
Identifiers: ClinVar variation 2981310 (VCV002981310.3), dbSNP rs2543612336, ClinGen allele CA396359482.